The following is an entry in ClinVar:

ClinVar aggregate classification (germline): Likely pathogenic (1 of 4 stars; one submission).

Submission:

GeneDx
Classification: Likely pathogenic. Last evaluated: 2022-01-03. Review status: criteria provided, single submitter. Criteria: GeneDx Variant Classification Process June 2021. Collection method: clinical testing. Allele origin: germline. Affected: yes.
Comment: Nonsense variant predicted to result in protein truncation or nonsense mediated decay in a gene for which loss-of-function is a known mechanism of disease; Not observed at significant frequency in large population cohorts (gnomAD); Has not been previously published as pathogenic or benign to our knowledge; This variant is associated with the following publications: (PMID: 35778421)

NM_001009944.3(PKD1):c.5366C>A (p.Ser1789Ter)

Gene: PKD1 (polycystin 1, transient receptor potential channel interacting; minus strand). Cytogenetic location: 16p13.3.
Variant type: single nucleotide variant.
Coding change: c.5366C>A on transcript NM_001009944.3 (MANE Select); coding-DNA position 5366, C replaced by A.
Protein change: p.Ser1789Ter; replaces serine 1789 with a stop codon.
Molecular consequence: nonsense.
Genome position (GRCh38, 1-based): chr16:2,109,801, G>T on the plus strand (C>A on the coding strand, the complement: PKD1 is on the minus strand). VCF-style: chr16-2109801-G-T. GRCh37 (hg19) VCF-style: chr16-2159802-G-T.
Other names: c.5366C>A, p.Ser1789Ter (NM_000296.4); short protein forms S1789*.
Identifiers: ClinVar variation 2430757 (VCV002430757.1), dbSNP rs1377414968, ClinGen allele CA394377341.